The following is an entry in ClinVar:

NM_030773.4(TUBB1):c.955_956del (p.Gly319fs)

Gene: TUBB1 (tubulin beta 1 class VI; plus strand). Cytogenetic location: 20q13.32.
Variant type: Deletion.
Coding change: c.955_956del on transcript NM_030773.4 (MANE Select); coding-DNA positions 955 to 956, 2 bases deleted (GG; older notation c.955_956delGG).
Protein change: p.Gly319fs; shifts the reading frame from glycine 319.
Molecular consequence: frameshift variant.
Genome position (GRCh38, 1-based): chr20:59,024,382-59,024,383, GG deleted; deleting any 2 consecutive bases within chr20:59,024,380-59,024,383 gives the same sequence; the c. name uses the placement nearest the transcript's 3' end. VCF-style (leftmost placement, unchanged base first): chr20-59024379-CGG-C. GRCh37 (hg19) VCF-style: chr20-57599434-CGG-C.
Other names: short protein forms G319fs.
Identifiers: ClinVar variation 3700825 (VCV003700825.2).
Genomic context (GRCh38, chr20:59,024,379, plus strand): 5'-AATACCATGGCTGCCTGTGACCTCCGCCGTGGCCGCTACCTCACAGTGGCCTGCATTTTC[CGG>C]GGCAAGATGTCCACCAAGGAAGTGGACCAGCAACTGCTCTCCGTGCAGACCAGGAACAGC-3'

ClinVar aggregate classification (germline): Uncertain significance (1 of 4 stars; one submission).

Submission:

Labcorp Genetics (formerly Invitae), Labcorp
Classification: Uncertain significance. Last evaluated: 2024-06-10. Review status: criteria provided, single submitter. Criteria: Invitae Variant Classification Sherloc (09022015). Collection method: clinical testing. Allele origin: germline.
Comment: This sequence change creates a premature translational stop signal (p.Gly319Glnfs*60) in the TUBB1 gene. While this is not anticipated to result in nonsense mediated decay, it is expected to disrupt the last 133 amino acid(s) of the TUBB1 protein. The frequency data for this variant in the population databases is considered unreliable, as metrics indicate poor data quality at this position in the gnomAD database. This variant has not been reported in the literature in individuals affected with TUBB1-related conditions. Experimental studies and prediction algorithms are not available or were not evaluated, and the functional significance of this variant is currently unknown. In summary, the available evidence is currently insufficient to determine the role of this variant in disease. Therefore, it has been classified as a Variant of Uncertain Significance.